The following is an entry in ClinVar:

NM_016180.5(SLC45A2):c.302G>A (p.Arg101His)

Gene: SLC45A2 (solute carrier family 45 member 2; minus strand). Cytogenetic location: 5p13.2.
Variant type: single nucleotide variant.
Coding change: c.302G>A on transcript NM_016180.5 (MANE Select); coding-DNA position 302, G replaced by A.
Protein change: p.Arg101His; replaces arginine 101 with histidine.
Molecular consequence: missense variant.
Genome position (GRCh38, 1-based): chr5:33,984,282, C>T on the plus strand (G>A on the coding strand, the complement: SLC45A2 is on the minus strand). VCF-style: chr5-33984282-C-T. GRCh37 (hg19) VCF-style: chr5-33984387-C-T.
Other names: c.302G>A, p.Arg101His (NM_001012509.4, NM_001297417.4); short protein forms R101H.
Identifiers: ClinVar variation 3775968 (VCV003775968.1).

ClinVar aggregate classification (germline): Likely pathogenic (1 of 4 stars; one submission).

Conditions:
Oculocutaneous albinism type 4 (OCA4). Also called: Albinism, oculocutaneous, type IV. Identifiers: Orphanet 79435, MedGen C1847836, MONDO:0011683, OMIM 606574.

gnomAD v4.1: 11 of 1,614,176 alleles (0.00068%); highest among the groups gnomAD compares: Non-Finnish European, 0.00093%; no homozygotes.

Submission:

3billion
Classification: Likely pathogenic for Oculocutaneous albinism type 4. Last evaluated: 2024-02-22. Review status: criteria provided, single submitter. Criteria: ACMG Guidelines, 2015. Collection method: clinical testing. Allele origin: germline. Affected: yes.
Comment: The variant is observed at an extremely low frequency in the gnomAD v2.1.1 dataset (total allele frequency: 0.002%). Predicted Consequence/Location: Missense variant In silico tool predictions suggest damaging effect of the variant on gene or gene product [REVEL: 0.83 (>=0.6, sensitivity 0.68 and specificity 0.92)]. Same nucleotide change resulting in same amino acid change has been previously reported as pathogenic/likely pathogenic with strong evidence (PMID: 34897530). A different missense change at the same codon (p.Arg101Cys) has been reported to be associated with SLC45A2 related disorder (PMID: 18463683). Therefore, this variant is classified as Likely pathogenic according to the recommendation of ACMG/AMP guideline.

Literature cited by the submitters: PubMed 18463683; PubMed 34897530.